The following is an entry in ClinVar:

NM_003664.5(AP3B1):c.2783T>C (p.Met928Thr)

Gene: AP3B1 (adaptor related protein complex 3 subunit beta 1; minus strand). Cytogenetic location: 5q14.1.
Variant type: single nucleotide variant.
Coding change: c.2783T>C on transcript NM_003664.5 (MANE Select); coding-DNA position 2783, T replaced by C.
Protein change: p.Met928Thr; replaces methionine 928 with threonine.
Molecular consequence: missense variant.
Genome position (GRCh38, 1-based): chr5:78,039,069, A>G on the plus strand (T>C on the coding strand, the complement: AP3B1 is on the minus strand). VCF-style: chr5-78039069-A-G. GRCh37 (hg19) VCF-style: chr5-77334893-A-G.
Other names: c.2636T>C, p.Met879Thr (NM_001271769.2); short protein forms M928T, M879T.
Identifiers: ClinVar variation 2002483 (VCV002002483.4), dbSNP rs771283896, ClinGen allele CA3316681.
Genomic context (GRCh38, chr5:78,039,069, plus strand): 5'-ATAGTTAAGGTTTTAAATGAGAATTAATATTTACCTATTGGATTAAAAACATGCATTTTC[A>G]TGCCTATAGGAAGTTTTTTTTCCCCTATGTGGATATTTTCTATCTTTCGATCAGTAGTGT-3'
Protein context (NP_003655.3, residues 918-938): HIGEKKLPIG[Met928Thr]KMHVFNPIDS

ClinVar aggregate classification (germline): Uncertain significance (1 of 4 stars; one submission).

Conditions:
Hermansky-Pudlak syndrome 2 (HPS2). Also called: Platelet defects and oculocutaneous albinism. Identifiers: Orphanet 183678, Orphanet 79430, MedGen C1842362, MONDO:0011997, OMIM 608233.

Allele frequency attached by ClinVar (database versions not stated): gnomAD exomes 0.00001; ExAC 0.00002.
gnomAD v4.1: 14 of 1,599,310 alleles (0.00088%); highest among the groups gnomAD compares: South Asian, 0.016%; no homozygotes.

Submission:

Labcorp Genetics (formerly Invitae), Labcorp
Classification: Uncertain significance for Hermansky-Pudlak syndrome 2. Last evaluated: 2022-06-05. Review status: criteria provided, single submitter. Criteria: Invitae Variant Classification Sherloc (09022015). Collection method: clinical testing. Allele origin: germline.
Comment: Algorithms developed to predict the effect of missense changes on protein structure and function are either unavailable or do not agree on the potential impact of this missense change (SIFT: "Deleterious"; PolyPhen-2: "Benign"; Align-GVGD: "Class C0"). This variant has not been reported in the literature in individuals affected with AP3B1-related conditions. This variant is present in population databases (rs771283896, gnomAD 0.02%). This sequence change replaces methionine, which is neutral and non-polar, with threonine, which is neutral and polar, at codon 928 of the AP3B1 protein (p.Met928Thr). In summary, the available evidence is currently insufficient to determine the role of this variant in disease. Therefore, it has been classified as a Variant of Uncertain Significance.